The following is an entry in ClinVar:

NM_004963.4(GUCY2C):c.2296C>T (p.Arg766Ter)

Gene: GUCY2C (guanylate cyclase 2C; minus strand). Cytogenetic location: 12p12.3.
Variant type: single nucleotide variant.
Coding change: c.2296C>T on transcript NM_004963.4 (MANE Select); coding-DNA position 2296, C replaced by T.
Protein change: p.Arg766Ter; replaces arginine 766 with a stop codon.
Molecular consequence: nonsense.
Genome position (GRCh38, 1-based): chr12:14,625,869, G>A on the plus strand (C>T on the coding strand, the complement: GUCY2C is on the minus strand). VCF-style: chr12-14625869-G-A. GRCh37 (hg19) VCF-style: chr12-14778803-G-A.
Other names: short protein forms R766*.
Identifiers: ClinVar variation 2427864 (VCV002427864.7), dbSNP rs771787305, ClinGen allele CA6463098.

ClinVar aggregate classification (germline): Conflicting classifications of pathogenicity. Review status: criteria provided, conflicting classifications (1 of 4 stars). 2 submissions from 2 submitters: Likely pathogenic (1); Uncertain significance (1). Last evaluated 2025-05-13.

Conditions:
Intestinal obstruction in the newborn due to guanylate cyclase 2C deficiency. Identifiers: Orphanet 314376, MedGen C4518781, MONDO:0013843, OMIM 614665.

Allele frequency attached by ClinVar (database versions not stated): gnomAD 0.00001; gnomAD exomes 0.00001; ExAC 0.00002; TOPMed 0.00002.
gnomAD v4.1: 19 of 1,613,354 alleles (0.0012%); highest among the groups gnomAD compares: East Asian, 0.011%; no homozygotes.

Submissions (2):

Labcorp Genetics (formerly Invitae), Labcorp
Classification: Uncertain significance. Last evaluated: 2025-05-13. Review status: criteria provided, single submitter. Criteria: Invitae Variant Classification Sherloc (09022015). Collection method: clinical testing. Allele origin: germline.
Comment: This sequence change creates a premature translational stop signal (p.Arg766*) in the GUCY2C gene. It is expected to result in an absent or disrupted protein product. However, the current clinical and genetic evidence is not sufficient to establish whether loss-of-function variants in GUCY2C cause disease. This variant is present in population databases (rs771787305, gnomAD 0.02%). This variant has not been reported in the literature in individuals affected with GUCY2C-related conditions. ClinVar contains an entry for this variant (Variation ID: 2427864). Experimental studies and prediction algorithms are not available or were not evaluated, and the functional significance of this variant is currently unknown. In summary, the available evidence is currently insufficient to determine the role of this variant in disease. Therefore, it has been classified as a Variant of Uncertain Significance.

Department of Pathology and Laboratory Medicine, Sinai Health System
Classification: Likely pathogenic for Intestinal obstruction in the newborn due to guanylate cyclase 2C deficiency. Last evaluated: 2023-10-16. Review status: criteria provided, single submitter. Criteria: ACMG Guidelines, 2015. Collection method: research. Allele origin: germline.